The following is an entry in ClinVar:

ClinVar aggregate classification (germline): Uncertain significance (1 of 4 stars; one submission).

Allele frequency attached by ClinVar (database versions not stated): gnomAD exomes 0.00001; ExAC 0.00002.
gnomAD v4.1: 2 of 1,613,736 alleles (0.00012%); highest among the groups gnomAD compares: Admixed American, 0.0033%; no homozygotes.

Submission:

Labcorp Genetics (formerly Invitae), Labcorp
Classification: Uncertain significance. Last evaluated: 2021-09-09. Review status: criteria provided, single submitter. Criteria: Invitae Variant Classification Sherloc (09022015). Collection method: clinical testing. Allele origin: germline.
Comment: In summary, the available evidence is currently insufficient to determine the role of this variant in disease. Therefore, it has been classified as a Variant of Uncertain Significance. Algorithms developed to predict the effect of missense changes on protein structure and function are either unavailable or do not agree on the potential impact of this missense change (SIFT: "Deleterious"; PolyPhen-2: "Not Available"; Align-GVGD: "Class C0"). This variant has not been reported in the literature in individuals affected with CDH23-related conditions. This variant is present in population databases (rs770473189, ExAC 0.02%). This sequence change replaces glutamine with proline at codon 2731 of the CDH23 protein (p.Gln2731Pro). The glutamine residue is highly conserved and there is a moderate physicochemical difference between glutamine and proline.

NM_022124.6(CDH23):c.8192A>C (p.Gln2731Pro)

Gene: CDH23 (cadherin related 23; plus strand). Cytogenetic location: 10q22.1.
Variant type: single nucleotide variant.
Coding change: c.8192A>C on transcript NM_022124.6 (MANE Select); coding-DNA position 8192, A replaced by C.
Protein change: p.Gln2731Pro; replaces glutamine 2731 with proline.
Molecular consequence: missense variant.
Genome position (GRCh38, 1-based): chr10:71,807,290, A>C. VCF-style: chr10-71807290-A-C. GRCh37 (hg19) VCF-style: chr10-73567047-A-C.
Other names: c.1472A>C, p.Gln491Pro (NM_001171933.1, NM_001171934.1); short protein forms Q491P, Q2731P.
Identifiers: ClinVar variation 1430399 (VCV001430399.6), dbSNP rs770473189, ClinGen allele CA5546574.